The following is an entry in ClinVar:

ClinVar aggregate classification (germline): Uncertain significance. Review status: criteria provided, multiple submitters, no conflicts (2 of 4 stars). 3 submissions from 3 submitters: Uncertain significance (3). Last evaluated 2024-06-14.

Conditions:
Joubert syndrome 24 (JBTS24). Identifiers: Orphanet 475, MedGen C4084841, MONDO:0014724, OMIM 616654.
Meckel syndrome, type 8. Identifiers: Orphanet 564, MedGen C3836857, MONDO:0013482, OMIM 613885.
Meckel-Gruber syndrome. Also called: DYSENCEPHALIA SPLANCHNOCYSTICA; GRUBER SYNDROME; Dysencephalia splachnocystica. Identifiers: Orphanet 564, MedGen C0265215, MONDO:0018921.
Joubert syndrome. Also called: CEREBELLOPARENCHYMAL DISORDER IV; JOUBERT-BOLTSHAUSER SYNDROME; Familial aplasia of the vermis. Identifiers: Orphanet 475, MedGen C5979921, MONDO:0018772.
Inborn genetic diseases. Identifiers: MedGen C0950123, MeSH D030342.

Allele frequency attached by ClinVar (database versions not stated): ExAC 0.00001; gnomAD 0.00001; gnomAD exomes 0.00001 and 0.00002; TOPMed 0.00002.
gnomAD v4.1: 34 of 1,613,984 alleles (0.0021%); highest among the groups gnomAD compares: Non-Finnish European, 0.0025%; no homozygotes.

Submissions (3):

Fulgent Genetics
Classification: Uncertain significance for Meckel syndrome, type 8; Joubert syndrome 24. Last evaluated: 2024-06-14. Review status: criteria provided, single submitter. Criteria: ACMG Guidelines, 2015. Collection method: clinical testing. Allele origin: germline.

Ambry Genetics
Classification: Uncertain significance for Inborn genetic diseases. Last evaluated: 2023-12-21. Review status: criteria provided, single submitter. Criteria: Ambry Variant Classification Scheme 2023. Collection method: clinical testing. Allele origin: germline.

Labcorp Genetics (formerly Invitae), Labcorp
Classification: Uncertain significance for Joubert syndrome; Meckel-Gruber syndrome. Last evaluated: 2021-08-15. Review status: criteria provided, single submitter. Criteria: Invitae Variant Classification Sherloc (09022015). Collection method: clinical testing. Allele origin: germline.
Comment: This sequence change replaces leucine with phenylalanine at codon 441 of the TCTN2 protein (p.Leu441Phe). The leucine residue is moderately conserved and there is a small physicochemical difference between leucine and phenylalanine. This variant is present in population databases (rs752861868, ExAC 0.006%). This variant has not been reported in the literature in individuals with TCTN2-related conditions. Algorithms developed to predict the effect of missense changes on protein structure and function are either unavailable or do not agree on the potential impact of this missense change (SIFT: "Deleterious"; PolyPhen-2: "Possibly Damaging"; Align-GVGD: "Class C0"). In summary, the available evidence is currently insufficient to determine the role of this variant in disease. Therefore, it has been classified as a Variant of Uncertain Significance.

NM_024809.5(TCTN2):c.1321C>T (p.Leu441Phe)

Gene: TCTN2 (tectonic family member 2; plus strand). Cytogenetic location: 12q24.31.
Variant type: single nucleotide variant.
Coding change: c.1321C>T on transcript NM_024809.5 (MANE Select); coding-DNA position 1321, C replaced by T.
Protein change: p.Leu441Phe; replaces leucine 441 with phenylalanine.
Molecular consequence: missense variant.
Genome position (GRCh38, 1-based): chr12:123,696,423, C>T. VCF-style: chr12-123696423-C-T. GRCh37 (hg19) VCF-style: chr12-124180970-C-T.
Other names: c.1318C>T, p.Leu440Phe (NM_001143850.3); c.1321C>T (NM_024809.3); short protein forms L440F, L441F.
Identifiers: ClinVar variation 1520702 (VCV001520702.10), dbSNP rs752861868, ClinGen allele CA6861177.
Genomic context (GRCh38, chr12:123,696,423, plus strand): 5'-GCTTGCTATGCTGGAGGAAACAGGCTCACGTTCCTTTGTTGTGTTTGTCTAGGTTACCAA[C>T]TTGGCAAGCCTGTCCGAGCTCTAAATATCAACAGGATGAATAATGTCACGACTTTACATC-3'
Protein context (NP_079085.2, residues 431-451): EELSGNPGYQ[Leu441Phe]GKPVRALNIN